The following is an entry in ClinVar:

NM_024422.6(DSC2):c.1245A>T (p.Gly415=)

Gene: DSC2 (desmocollin 2; minus strand). Cytogenetic location: 18q12.1.
Variant type: single nucleotide variant.
Coding change: c.1245A>T on transcript NM_024422.6 (MANE Select); coding-DNA position 1245, A replaced by T.
Protein change: p.Gly415=; no amino-acid change (glycine 415 retained).
Molecular consequence: synonymous variant.
Genome position (GRCh38, 1-based): chr18:31,082,256, T>A on the plus strand (A>T on the coding strand, the complement: DSC2 is on the minus strand). VCF-style: chr18-31082256-T-A. GRCh37 (hg19) VCF-style: chr18-28662222-T-A.
Other names: c.816A>T, p.Gly272= (NM_001406506.1, NM_001406507.1); c.1245A>T, p.Gly415= (NM_004949.5).
Identifiers: ClinVar variation 3386532 (VCV003386532.1).

ClinVar aggregate classification (germline): Likely benign (1 of 4 stars; one submission).

Conditions:
Familial isolated arrhythmogenic right ventricular dysplasia. Identifiers: Orphanet 217656, MedGen C4274968, MONDO:0016342.

gnomAD v4.1: 1 of 1,613,520 alleles (0.000062%); highest among the groups gnomAD compares: Non-Finnish European, 0.000085%; no homozygotes.

Submission:

All of Us Research Program, National Institutes of Health
Classification: Likely benign for Familial isolated arrhythmogenic right ventricular dysplasia. Last evaluated: 2024-07-10. Review status: criteria provided, single submitter. Criteria: ACMG Guidelines, 2015. Collection method: clinical testing. Allele origin: germline. Inheritance: Autosomal dominant inheritance. Observed: 1 variant allele, 1 heterozygote.
Comment: This study involves interpretation of variants in research participants for the purpose of population health screening. Participant phenotype was not available at the time of variant classification. Additional details can be found in publication PMID: 35346344, PMCID: PMC8962531